The following is an entry in ClinVar:

ClinVar aggregate classification (germline): Uncertain significance. Review status: criteria provided, multiple submitters, no conflicts (2 of 4 stars). 2 submissions from 2 submitters: Uncertain significance (2). Last evaluated 2024-06-28.

Conditions:
LZTR1-related schwannomatosis. Also called: Schwannomatosis 2; Schwannomatosis-2, susceptibility to. Identifiers: Orphanet 93921, MedGen C3810283, MONDO:0014299, OMIM 615670.

Submissions (2):

GeneDx
Classification: Uncertain significance. Last evaluated: 2024-06-28. Review status: criteria provided, single submitter. Criteria: GeneDx Variant Classification Process June 2021. Collection method: clinical testing. Allele origin: germline. Affected: yes.
Comment: Not observed at significant frequency in large population cohorts (gnomAD); In silico analysis supports that this missense variant has a deleterious effect on protein structure/function; Has not been previously published as pathogenic or benign to our knowledge

Baylor Genetics
Classification: Uncertain significance for LZTR1-related schwannomatosis. Last evaluated: 2023-12-15. Review status: criteria provided, single submitter. Criteria: ACMG Guidelines, 2015. Collection method: clinical testing. Allele origin: unknown.

NM_006767.4(LZTR1):c.311C>G (p.Ser104Cys)

Gene: LZTR1 (leucine zipper like post translational regulator 1; plus strand). Cytogenetic location: 22q11.21.
Variant type: single nucleotide variant.
Coding change: c.311C>G on transcript NM_006767.4 (MANE Select); coding-DNA position 311, C replaced by G.
Protein change: p.Ser104Cys; replaces serine 104 with cysteine.
Molecular consequence: missense variant.
Genome position (GRCh38, 1-based): chr22:20,985,888, C>G. VCF-style: chr22-20985888-C-G. GRCh37 (hg19) VCF-style: chr22-21340177-C-G.
Other names: c.311C>G (NM_006767.3); short protein forms S104C.
Identifiers: ClinVar variation 3241869 (VCV003241869.2), dbSNP rs1309568769.